The following is an entry in ClinVar:

ClinVar aggregate classification (germline): Uncertain significance. Review status: criteria provided, multiple submitters, no conflicts (2 of 4 stars). 3 submissions from 3 submitters: Uncertain significance (3). Last evaluated 2025-10-02.

Conditions:
Autosomal recessive ataxia, Beauce type. Also called: Spinocerebellar ataxia, autosomal recessive 8; ATAXIA, RECESSIVE, OF BEAUCE; SYNE1-Related Autosomal Recessive Cerebellar Ataxia; SYNE1 Deficiency. Identifiers: Orphanet 88644, MedGen C1853116, MONDO:0012549, OMIM 610743.
Emery-Dreifuss muscular dystrophy 4, autosomal dominant (EDMD4). Also called: EMERY-DREIFUSS MUSCULAR DYSTROPHY 4 WITH VARIABLE FEATURES. Identifiers: Orphanet 261, MedGen C2751807, MONDO:0013071, OMIM 612998.

Allele frequency attached by ClinVar (database versions not stated): gnomAD 0.00001; gnomAD exomes 0.00001; ExAC 0.00002; TOPMed 0.00002.
gnomAD v4.1: 10 of 1,613,302 alleles (0.00062%); highest among the groups gnomAD compares: South Asian, 0.0033%; no homozygotes.

Submissions (3):

Labcorp Genetics (formerly Invitae), Labcorp
Classification: Uncertain significance for Emery-Dreifuss muscular dystrophy 4, autosomal dominant; Autosomal recessive ataxia, Beauce type. Last evaluated: 2025-10-02. Review status: criteria provided, single submitter. Criteria: Invitae Variant Classification Sherloc (09022015). Collection method: clinical testing. Allele origin: germline.
Comment: This sequence change replaces arginine, which is basic and polar, with cysteine, which is neutral and slightly polar, at codon 1372 of the SYNE1 protein (p.Arg1372Cys). This variant is present in population databases (rs770015858, gnomAD 0.003%). This variant has not been reported in the literature in individuals affected with SYNE1-related conditions. ClinVar contains an entry for this variant (Variation ID: 951597). An algorithm developed to predict the effect of missense changes on protein structure and function (PolyPhen-2) suggests that this variant is likely to be disruptive. In summary, the available evidence is currently insufficient to determine the role of this variant in disease. Therefore, it has been classified as a Variant of Uncertain Significance.

Athena Diagnostics
Classification: Uncertain significance. Last evaluated: 2025-08-22. Review status: criteria provided, single submitter. Criteria: Athena Diagnostics Criteria. Collection method: clinical testing. Allele origin: unknown.
Comment: Available data are insufficient to determine the clinical significance of the variant at this time. The frequency of this variant in the general population is uninformative in assessment of its pathogenicity. Polyphen and MutationTaster yielded discordant predictions regarding whether this amino acid change is damaging to the protein.

Mayo Clinic Laboratories, Mayo Clinic
Classification: Uncertain significance. Last evaluated: 2024-01-19. Review status: criteria provided, single submitter. Criteria: ACMG Guidelines, 2015. Collection method: clinical testing. Allele origin: germline. Observed: 1 variant allele.

NM_182961.4(SYNE1):c.4093C>T (p.Arg1365Cys)

Gene: SYNE1 (spectrin repeat containing nuclear envelope protein 1; minus strand). Cytogenetic location: 6q25.2.
Variant type: single nucleotide variant.
Coding change: c.4093C>T on transcript NM_182961.4 (MANE Select); coding-DNA position 4093, C replaced by T.
Protein change: p.Arg1365Cys; replaces arginine 1365 with cysteine.
Molecular consequence: missense variant.
Genome position (GRCh38, 1-based): chr6:152,441,186, G>A on the plus strand (C>T on the coding strand, the complement: SYNE1 is on the minus strand). VCF-style: chr6-152441186-G-A. GRCh37 (hg19) VCF-style: chr6-152762321-G-A.
Other names: p.Arg1372Cys; c.4114C>T, p.Arg1372Cys (NM_033071.5); c.4093C>T (NM_182961.2); short protein forms R1372C, R1365C.
Identifiers: ClinVar variation 951597 (VCV000951597.11), dbSNP rs770015858, ClinGen allele CA4058648.